The following is an entry in ClinVar:

NM_000179.3(MSH6):c.*23A>G

Gene: MSH6 (mutS homolog 6; plus strand). Cytogenetic location: 2p16.3.
Variant type: single nucleotide variant.
Coding change: c.*23A>G on transcript NM_000179.3 (MANE Select); 23 bases downstream of the stop codon, A replaced by G.
Molecular consequence: 3 prime UTR variant.
Genome position (GRCh38, 1-based): chr2:47,806,883, A>G. VCF-style: chr2-47806883-A-G. GRCh37 (hg19) VCF-style: chr2-48034022-A-G.
Other names: c.*23A>G (NM_001281492.2, NM_001281493.2, NM_001281494.2 and 33 more transcripts); c.*127A>G (NM_001406800.1); c.*87A>G (NM_001406801.1, NM_001406802.1, NM_001406808.1 and 1 more transcripts).
Identifiers: ClinVar variation 1802703 (VCV001802703.6), dbSNP rs200412142, ClinGen allele CA068934.

ClinVar aggregate classification (germline): Likely benign. Review status: criteria provided, multiple submitters, no conflicts (2 of 4 stars). 2 submissions from 2 submitters: Likely benign (2). Last evaluated 2026-08-21.

Conditions:
MSH6-related disorder. Also called: MSH6-related condition; MSH6-Related disorders.

Allele frequency attached by ClinVar (database versions not stated): gnomAD 0.00003; ExAC 0.00007.
gnomAD v4.1: 37 of 1,550,108 alleles (0.0024%); highest among the groups gnomAD compares: Non-Finnish European, 0.0029%; no homozygotes.

Submissions (2):

PreventionGenetics, part of Exact Sciences
Classification: Likely benign for MSH6-related condition. Last evaluated: 2026-08-21. Review status: criteria provided, single submitter. Criteria: ACMG Guidelines, 2015. Collection method: clinical testing. Allele origin: germline.
Comment: This variant is classified as likely benign based on ACMG/AMP sequence variant interpretation guidelines (Richards et al. 2015 PMID: 25741868, with internal and published modifications).

Center for Genomic Medicine, Rigshospitalet, Copenhagen University Hospital
Classification: Likely benign. Last evaluated: 2025-03-04. Review status: criteria provided, single submitter. Criteria: ACMG Guidelines, 2015. Collection method: clinical testing. Allele origin: germline.